The following is an entry in ClinVar:

NM_007194.4(CHEK2):c.1462-4A>T

Gene: CHEK2 (checkpoint kinase 2; minus strand). Cytogenetic location: 22q12.1.
Variant type: single nucleotide variant.
Coding change: c.1462-4A>T on transcript NM_007194.4 (MANE Select); 4 bases into the intron before coding-DNA position 1462, A replaced by T.
Molecular consequence: intron variant.
Genome position (GRCh38, 1-based): chr22:28,689,219, T>A on the plus strand (A>T on the coding strand, the complement: CHEK2 is on the minus strand). VCF-style: chr22-28689219-T-A. GRCh37 (hg19) VCF-style: chr22-29085207-T-A.
Other names: c.799-4A>T (NM_001437942.1, NM_001257387.3); c.1261-4A>T (NM_001349956.3); c.1375-4A>T (NM_145862.3); c.1468-4A>T (NM_001438295.1); c.1555-4A>T (NM_001438293.1); c.1504-4A>T (NM_001438294.1); c.1591-4A>T (NM_001005735.3).
Identifiers: ClinVar variation 3773619 (VCV003773619.1).

ClinVar aggregate classification (germline): Likely benign (1 of 4 stars; one submission).

Conditions:
Familial cancer of breast. Also called: Hereditary breast cancer; BREAST CANCER, FAMILIAL; hereditary breast carcinoma. Identifiers: Orphanet 227535, MedGen C0346153, MONDO:0016419, OMIM 114480. Disease mechanism: loss of function.

Submission:

Myriad Genetics, Inc.
Classification: Likely benign for Familial cancer of breast. Last evaluated: 2024-10-08. Review status: criteria provided, single submitter. Criteria: Myriad Autosomal Dominant, Autosomal Recessive and X-Linked Classification Criteria (2023). Collection method: clinical testing. Allele origin: unknown.
Comment: This variant is considered likely benign. This variant is intronic and is not expected to impact mRNA splicing.